The following is an entry in ClinVar:

NM_198129.4(LAMA3):c.7461_7481+17del

Gene: LAMA3 (laminin subunit alpha 3; plus strand). Cytogenetic location: 18q11.2.
Variant type: Deletion.
Coding change: c.7461_7481+17del on transcript NM_198129.4 (MANE Select); coding-DNA position 7461 through 17 bases into the intron after coding-DNA position 7481, 38 bases deleted.
Molecular consequence: splice donor variant.
Genome position (GRCh38, 1-based): chr18:23,914,541-23,914,578, 38 bases deleted. GRCh37 (hg19): chr18:21,494,505-21,494,542.
Other names: c.7293_7313+17del (NM_001127717.4); c.2634_2654+17del (NM_000227.6); c.2466_2486+17del (NM_001127718.4).
Identifiers: ClinVar variation 553194 (VCV000553194.8), dbSNP rs1555737629, ClinGen allele CA658824493.

ClinVar aggregate classification (germline): Likely pathogenic. Review status: criteria provided, single submitter (1 of 4 stars). 2 submissions from 2 submitters: Likely pathogenic (1). 1 of the submissions does not count toward it. Last evaluated 2024-11-11.

Conditions:
Junctional epidermolysis bullosa gravis of Herlitz. Also called: EPIDERMOLYSIS BULLOSA, JUNCTIONAL 1B, SEVERE; Epidermolysis Bullosa Letalis; EPIDERMOLYSIS BULLOSA JUNCTIONALIS, HERLITZ TYPE; EPIDERMOLYSIS BULLOSA, JUNCTIONAL, HERLITZ-PEARSON TYPE; JEB-HERLITZ TYPE; Herlitz-type junctional epidermolysis bullosa. Identifiers: Orphanet 79404, MedGen C0079683, MONDO:0009182, OMIM 226700.

Submissions (2):

Labcorp Genetics (formerly Invitae), Labcorp
Classification: Likely pathogenic. Last evaluated: 2024-11-11. Review status: criteria provided, single submitter. Criteria: Invitae Variant Classification Sherloc (09022015). Collection method: clinical testing. Allele origin: germline.
Comment: This variant results in the deletion of part of exon 20 (c.2634_2654+17del) of the LAMA3 gene. It is expected to disrupt RNA splicing. Variants that disrupt the donor or acceptor splice site typically lead to a loss of protein function (PMID: 16199547), and loss-of-function variants in LAMA3 are known to be pathogenic (PMID: 10366601, 11810295, 12915477, 16473856, 17362460, 22434185, 23869449, 27827380, 28087116). This variant is not present in population databases (gnomAD no frequency). This variant has not been reported in the literature in individuals affected with LAMA3-related conditions. ClinVar contains an entry for this variant (Variation ID: 553194). In summary, the currently available evidence indicates that the variant is pathogenic, but additional data are needed to prove that conclusively. Therefore, this variant has been classified as Likely Pathogenic.

Counsyl
Classification: Likely pathogenic for Junctional epidermolysis bullosa gravis of Herlitz. Last evaluated: 2017-08-04. Review status: no assertion criteria provided. Collection method: clinical testing. Allele origin: unknown. Not counted in ClinVar's aggregate classification.

Literature cited by the submitters: PubMed 16199547 (cited by Labcorp Genetics (formerly Invitae), Labcorp); PubMed 10366601 (cited by Labcorp Genetics (formerly Invitae), Labcorp); PubMed 11810295 (cited by Labcorp Genetics (formerly Invitae), Labcorp); PubMed 12915477 (cited by Labcorp Genetics (formerly Invitae), Labcorp); PubMed 16473856 (cited by Labcorp Genetics (formerly Invitae), Labcorp); PubMed 17362460 (cited by Labcorp Genetics (formerly Invitae), Labcorp); PubMed 22434185 (cited by Labcorp Genetics (formerly Invitae), Labcorp); PubMed 23869449 (cited by Labcorp Genetics (formerly Invitae), Labcorp); PubMed 27827380 (cited by Labcorp Genetics (formerly Invitae), Labcorp); PubMed 28087116 (cited by Labcorp Genetics (formerly Invitae), Labcorp).